The following is an entry in ClinVar:

NM_002334.4(LRP4):c.3830G>T (p.Arg1277Leu)

Gene: LRP4 (LDL receptor related protein 4; minus strand). Cytogenetic location: 11p11.2.
Variant type: single nucleotide variant.
Coding change: c.3830G>T on transcript NM_002334.4 (MANE Select); coding-DNA position 3830, G replaced by T.
Protein change: p.Arg1277Leu; replaces arginine 1277 with leucine.
Molecular consequence: missense variant.
Genome position (GRCh38, 1-based): chr11:46,875,551, C>A on the plus strand (G>T on the coding strand, the complement: LRP4 is on the minus strand). VCF-style: chr11-46875551-C-A. GRCh37 (hg19) VCF-style: chr11-46897102-C-A.
Other names: short protein forms R1277L.
Identifiers: ClinVar variation 4688169 (VCV004688169.1).

ClinVar aggregate classification (germline): Likely pathogenic (1 of 4 stars; one submission).

Conditions:
Cenani-Lenz syndactyly syndrome. Also called: CENANI SYNDACTYLISM; SYNDACTYLY, TYPE VII. Identifiers: Orphanet 3258, MedGen C1859309, MONDO:0008931, OMIM 212780.

Submission:

Department of Pediatric Genetics, University of Health Sciences, Ankara Bilkent City Children’s Hospital
Classification: Likely pathogenic for Cenani-Lenz syndactyly syndrome. Last evaluated: 2026-01-18. Review status: criteria provided, single submitter. Criteria: ACMG Guidelines, 2015. Collection method: clinical testing. Allele origin: biparental. Inheritance: Autosomal recessive inheritance. Affected: yes. Observed: 4 variant alleles. Clinical features observed: Radioulnar synostosis.
Comment: The c.3830G>T variant in the LRP4 gene (NM_002334.4) is a missense located in exon 27 and has not been previously reported in ClinVar. The allele frequency of this variant is not reported, and it is absent from population databases such as gnomAD (PM2). This missense variant is predicted to have a deleterious effect on the gene based on in silico prediction tools (PP3). Supporting evidence includes a different amino acid substitution affecting the same codon (chr11:46897102 C>T), which has been reported as probably pathogenic in the UniProt database (PM5). In summary, based on the presence of PM2, PP3, and PM5 criteria, this variant is classified as Likely Pathogenic according to ACMG guidelines (Richards et.all) and is associated with Cenani–Lenz syndactyly syndrome (OMIM: 212780).